The following is an entry in ClinVar:

ClinVar aggregate classification (germline): Benign. Review status: criteria provided, multiple submitters, no conflicts (2 of 4 stars). 4 submissions from 4 submitters: Benign (4). Last evaluated 2026-02-01.

Allele frequency attached by ClinVar (database versions not stated): gnomAD 0.02121; ESP Exome Variant Server 0.02134; 1000 Genomes Project 0.02177; TOPMed 0.02311; 1000 Genomes Project 30x 0.02358.
gnomAD v4.1: 8,440 of 1,613,742 alleles (0.52%); highest among the groups gnomAD compares: African/African-American, 7.3%; 222 homozygotes.

Submissions (4):

Labcorp Genetics (formerly Invitae), Labcorp
Classification: Benign. Last evaluated: 2026-02-01. Review status: criteria provided, single submitter. Criteria: Invitae Variant Classification Sherloc (09022015). Collection method: clinical testing. Allele origin: germline.

Athena Diagnostics
Classification: Benign. Last evaluated: 2018-05-23. Review status: criteria provided, single submitter. Criteria: Athena Diagnostics Criteria. Collection method: clinical testing. Allele origin: germline.

GeneDx
Classification: Benign. Last evaluated: 2017-10-23. Review status: criteria provided, single submitter. Criteria: GeneDx Variant Classification (06012015). Collection method: clinical testing. Allele origin: germline. Affected: yes.
Comment: This variant is considered likely benign or benign based on one or more of the following criteria: it is a conservative change, it occurs at a poorly conserved position in the protein, it is predicted to be benign by multiple in silico algorithms, and/or has population frequency not consistent with disease.

Laboratory for Molecular Medicine, Mass General Brigham Personalized Medicine
Classification: Benign. Last evaluated: 2017-08-23. Review status: criteria provided, single submitter. Criteria: LMM Criteria. Collection method: clinical testing. Allele origin: germline. Observed: 6 variant alleles.
Comment: p.Ala329Ser in exon 12 of FAM65B: This variant is not expected to have clinical significance because it has been identified in 7.49% (699/9338) of African chrom osomes by the Exome Aggregation Consortium (ExAC ; dbSNP rs35254980).

NM_001286445.3(RIPOR2):c.1072G>T (p.Ala358Ser)

Gene: RIPOR2 (RHO family interacting cell polarization regulator 2; minus strand). Cytogenetic location: 6p22.3.
Variant type: single nucleotide variant.
Coding change: c.1072G>T on transcript NM_001286445.3 (MANE Select); coding-DNA position 1072, G replaced by T.
Protein change: p.Ala358Ser; replaces alanine 358 with serine.
Molecular consequence: missense variant.
Genome position (GRCh38, 1-based): chr6:24,848,117, C>A on the plus strand (G>T on the coding strand, the complement: RIPOR2 is on the minus strand). VCF-style: chr6-24848117-C-A. GRCh37 (hg19) VCF-style: chr6-24848345-C-A.
Other names: c.1087G>T, p.Ala363Ser (NM_001286446.3); c.985G>T, p.Ala329Ser (NM_001286447.2, NM_001346031.2, NM_001346032.2 and 2 more transcripts); short protein forms A329S, A358S, A363S.
Identifiers: ClinVar variation 509123 (VCV000509123.15), dbSNP rs35254980, ClinGen allele CA3659338.